The following is an entry in ClinVar:

NM_004187.5(KDM5C):c.2261A>G (p.Asp754Gly)

Gene: KDM5C (lysine demethylase 5C; minus strand). Cytogenetic location: Xp11.22.
Variant type: single nucleotide variant.
Coding change: c.2261A>G on transcript NM_004187.5 (MANE Select); coding-DNA position 2261, A replaced by G.
Protein change: p.Asp754Gly; replaces aspartic acid 754 with glycine.
Molecular consequence: missense variant. On other transcripts: non-coding transcript variant (3).
Genome position (GRCh38, 1-based): chrX:53,198,871, T>C on the plus strand (A>G on the coding strand, the complement: KDM5C is on the minus strand). VCF-style: chrX-53198871-T-C. GRCh37 (hg19) VCF-style: chrX-53228053-T-C.
Other names: c.2060A>G, p.Asp687Gly (NM_001146702.2); c.2258A>G, p.Asp753Gly (NM_001282622.3, NM_001353979.2, NM_001353982.2); c.2261A>G, p.Asp754Gly (NM_001353978.3, NM_001353981.2, NM_001353984.2); short protein forms D687G, D753G, D754G.
Identifiers: ClinVar variation 3899001 (VCV003899001.1).

ClinVar aggregate classification (germline): Uncertain significance (1 of 4 stars; one submission).

Submission:

GeneDx
Classification: Uncertain significance. Last evaluated: 2024-11-07. Review status: criteria provided, single submitter. Criteria: GeneDx Variant Classification Process June 2021. Collection method: clinical testing. Allele origin: germline. Affected: yes.
Comment: Not observed at significant frequency in large population cohorts (gnomAD); In silico analysis supports that this missense variant has a deleterious effect on protein structure/function; Has not been previously published as pathogenic or benign to our knowledge